The following is an entry in ClinVar:

NM_004369.4(COL6A3):c.3262A>C (p.Lys1088Gln)

Gene: COL6A3 (collagen type VI alpha 3 chain; minus strand). Cytogenetic location: 2q37.3.
Variant type: single nucleotide variant.
Coding change: c.3262A>C on transcript NM_004369.4 (MANE Select); coding-DNA position 3262, A replaced by C.
Protein change: p.Lys1088Gln; replaces lysine 1088 with glutamine.
Molecular consequence: missense variant.
Genome position (GRCh38, 1-based): chr2:237,374,829, T>G on the plus strand (A>C on the coding strand, the complement: COL6A3 is on the minus strand). VCF-style: chr2-237374829-T-G. GRCh37 (hg19) VCF-style: chr2-238283472-T-G.
Other names: c.2041A>C, p.Lys681Gln (NM_057164.5); c.2644A>C, p.Lys882Gln (NM_057165.5, NM_057167.4); c.1441A>C, p.Lys481Gln (NM_057166.5); short protein forms K882Q, K481Q, K681Q.
Identifiers: ClinVar variation 94924 (VCV000094924.30), dbSNP rs11896521, ClinGen allele CA147947.

ClinVar aggregate classification (germline): Benign. Review status: criteria provided, multiple submitters, no conflicts (2 of 4 stars). 14 submissions from 14 submitters: Benign (11). 3 of the submissions do not count toward it. Last evaluated 2026-02-02.

Conditions:
Bethlem myopathy 1A. Also called: MYOPATHY, BENIGN CONGENITAL, WITH CONTRACTURES; Bethlem myopathy 1; Bethlem Muscular Dystrophy. Identifiers: Orphanet 610, MedGen CN029274, MONDO:0024530, OMIM 158810.
Collagen 6-related myopathy. Identifiers: MedGen CN117976, MONDO:0100225.

Allele frequency attached by ClinVar (database versions not stated): 1000 Genomes Project 0.07488; ExAC 0.03612; gnomAD exomes 0.01238 and 0.03740; gnomAD 0.05566 and 0.05751; 1000 Genomes Project 30x 0.07948; ESP Exome Variant Server 0.04790; TOPMed 0.06207.
gnomAD v4.1: 26,914 of 1,613,924 alleles (1.7%); highest among the groups gnomAD compares: African/African-American, 15%; 1,501 homozygotes.

Submissions (14):

Labcorp Genetics (formerly Invitae), Labcorp
Classification: Benign for Bethlem myopathy 1A. Last evaluated: 2026-02-02. Review status: criteria provided, single submitter. Criteria: Invitae Variant Classification Sherloc (09022015). Collection method: clinical testing. Allele origin: germline.

Unidad de Genómica Garrahan, Hospital de Pediatría Garrahan
Classification: Benign. Last evaluated: 2024-07-31. Review status: criteria provided, single submitter. Criteria: ACMG Guidelines, 2015. Collection method: clinical testing. Allele origin: germline. Affected: no. Observed: 19 variant alleles.
Comment: This variant is classified as Benign based on local population frequency. This variant was detected in 20% of patients studied in a panel designed for Epileptic and Developmental Encephalopathy, Progressive Myoclonus Epilepsy and Abnormal Movements and Neurodegeneration with brain iron accumulation. Number of patients: 19. Only high quality variants are reported.

Mendelics
Classification: Benign for Bethlem myopathy 1A. Last evaluated: 2019-05-28. Review status: criteria provided, single submitter. Criteria: Mendelics Assertion Criteria 2017. Collection method: clinical testing. Allele origin: unknown.

Illumina Laboratory Services, Illumina
Classification: Benign for Collagen VI-related myopathy. Last evaluated: 2018-01-12. Review status: criteria provided, single submitter. Criteria: ICSL Variant Classification Criteria 13 December 2019. Collection method: clinical testing. Allele origin: germline.
Comment: This variant was observed in the ICSL laboratory as part of a predisposition screen in an ostensibly healthy population. It had not been previously curated by ICSL or reported in the Human Gene Mutation Database (HGMD: prior to June 1st, 2018), and was therefore a candidate for classification through an automated scoring system. Utilizing variant allele frequency, disease prevalence and penetrance estimates, and inheritance mode, an automated score was calculated to assess if this variant is too frequent to cause the disease. Based on the score and internal cut-off values, a variant classified as benign is not then subjected to further curation. The score for this variant resulted in a classification of benign for this disease.

Athena Diagnostics
Classification: Benign. Last evaluated: 2017-11-14. Review status: criteria provided, single submitter. Criteria: Athena Diagnostics Criteria. Collection method: clinical testing. Allele origin: germline.

Mayo Clinic Laboratories, Mayo Clinic
Classification: Benign. Last evaluated: 2017-07-25. Review status: criteria provided, single submitter. Criteria: ACMG Guidelines, 2015. Collection method: clinical testing. Allele origin: germline. Observed: 33 variant alleles.

GeneDx
Classification: Benign. Last evaluated: 2016-02-18. Review status: criteria provided, single submitter. Criteria: GeneDx Variant Classification (06012015). Collection method: clinical testing. Allele origin: germline. Affected: yes.
Comment: This variant is considered likely benign or benign based on one or more of the following criteria: it is a conservative change, it occurs at a poorly conserved position in the protein, it is predicted to be benign by multiple in silico algorithms, and/or has population frequency not consistent with disease.

Eurofins Ntd Llc (ga)
Classification: Benign. Last evaluated: 2014-09-16. Review status: criteria provided, single submitter. Criteria: EGL Classification Definitions 2015. Collection method: clinical testing. Allele origin: germline. Observed: 11 variant alleles, 10 heterozygotes, 1 homozygote.

Genetic Services Laboratory, University of Chicago
Classification: Benign for AllHighlyPenetrant. Last evaluated: 2013-08-15. Review status: criteria provided, single submitter. Criteria: ACMG Guidelines, 2007. Collection method: clinical testing. Allele origin: germline.

Breakthrough Genomics
Classification: Benign. Review status: criteria provided, single submitter. Criteria: ACMG Guidelines, 2015. Collection method: not provided. Allele origin: germline. Inheritance: Autosomal recessive inheritance. Affected: yes.

PreventionGenetics, part of Exact Sciences
Classification: Benign. Review status: criteria provided, single submitter. Criteria: ACMG Guidelines, 2015. Collection method: clinical testing. Allele origin: germline.

Clinical Genetics, Academic Medical Center
Classification: Benign. Review status: no assertion criteria provided. Collection method: clinical testing. Allele origin: germline. Affected: yes. Study: VKGL Data-share Consensus. Not counted in ClinVar's aggregate classification.

Joint Genome Diagnostic Labs from Nijmegen and Maastricht, Radboudumc and MUMC+
Classification: Benign. Review status: no assertion criteria provided. Collection method: clinical testing. Allele origin: germline. Affected: yes. Study: VKGL Data-share Consensus. Not counted in ClinVar's aggregate classification.

Laboratory of Diagnostic Genome Analysis, Leiden University Medical Center (LUMC)
Classification: Likely benign. Review status: no assertion criteria provided. Collection method: clinical testing. Allele origin: germline. Affected: yes. Study: VKGL Data-share Consensus. Not counted in ClinVar's aggregate classification.

Literature cited by the submitters: PubMed 15563506 (cited by Athena Diagnostics); PubMed 15689448 (cited by Athena Diagnostics); PubMed 17785673 (cited by Athena Diagnostics).